The following is an entry in ClinVar:

NM_001851.6(COL9A1):c.1230+5G>C

Gene: COL9A1 (collagen type IX alpha 1 chain; minus strand). Cytogenetic location: 6q13.
Variant type: single nucleotide variant.
Coding change: c.1230+5G>C on transcript NM_001851.6 (MANE Select); 5 bases into the intron after coding-DNA position 1230, G replaced by C.
Molecular consequence: intron variant.
Genome position (GRCh38, 1-based): chr6:70,269,628, C>G on the plus strand (G>C on the coding strand, the complement: COL9A1 is on the minus strand). VCF-style: chr6-70269628-C-G. GRCh37 (hg19) VCF-style: chr6-70979331-C-G.
Other names: c.501+5G>C (NM_001377290.1, NM_078485.4, NM_001377289.1).
Identifiers: ClinVar variation 489232 (VCV000489232.3), dbSNP rs990543556, ClinGen allele CA140878998.
Genomic context (GRCh38, chr6:70,269,628, plus strand): 5'-ACTCATCTGCAGGCTATATGGTCTTTGAATTAAAACTATATTTTGTTCAAAGGAAAGCAT[C>G]TTACCAATGGATCTCCATCATGAAAGCCAATTGTTCCCTAAAGTAAACAAAATATTAAGG-3'

ClinVar aggregate classification (germline): Uncertain significance. Review status: criteria provided, multiple submitters, no conflicts (2 of 4 stars). 2 submissions from 2 submitters: Uncertain significance (2). Last evaluated 2019-03-14.

Allele frequency attached by ClinVar (database versions not stated): gnomAD exomes below 0.00001.
gnomAD v4.1: 1 of 1,587,068 alleles (0.000063%); highest among the groups gnomAD compares: Non-Finnish European, 0.000087%; no homozygotes.

Submissions (2):

Blueprint Genetics
Classification: Uncertain significance. Last evaluated: 2019-03-14. Review status: criteria provided, single submitter. Criteria: ACMG Guidelines, 2015. Collection method: clinical testing. Allele origin: germline.

GeneDx
Classification: Uncertain significance. Last evaluated: 2017-12-19. Review status: criteria provided, single submitter. Criteria: GeneDx Variant Classification (06012015). Collection method: clinical testing. Allele origin: germline. Affected: yes.
Comment: A variant of uncertain significance has been identified in the COL9A1 gene. The c.1230+5 G>C variant has not been published as pathogenic or been reported as benign to our knowledge. This variant is not observed in large population cohorts (Lek et al., 2016). This substitution occurs at a nucleotide position that is conserved across species, and in silico splice prediction programs predict this variant results in loss of the natural splice donor site for intron 16 which is predicted to cause abnormal gene splicing. This variant is predicted to lead to either an abnormal message that is subject to nonsense-mediated mRNA decay, or to an abnormal protein product if the message is used for protein translation. However, only one other splice site variant in the COL9A1 gene has been reported as in HGMD in association with MED (Stenson et al., 2014), and the pathogenicity of this variant has not been definitively determined. Finally, in the absence of functional mRNA studies, the physiological consequence of this variant cannot be precisely determined.